The following is an entry in ClinVar:

NM_000257.4(MYH7):c.3263A>G (p.Asn1088Ser)

Gene: MYH7 (myosin heavy chain 7; minus strand). Cytogenetic location: 14q11.2.
Variant type: single nucleotide variant.
Coding change: c.3263A>G on transcript NM_000257.4 (MANE Select); coding-DNA position 3263, A replaced by G.
Protein change: p.Asn1088Ser; replaces asparagine 1088 with serine.
Molecular consequence: missense variant.
Genome position (GRCh38, 1-based): chr14:23,421,031, T>C on the plus strand (A>G on the coding strand, the complement: MYH7 is on the minus strand). VCF-style: chr14-23421031-T-C. GRCh37 (hg19) VCF-style: chr14-23890240-T-C.
Other names: c.3263A>G, p.Asn1088Ser (NM_001407004.1); short protein forms N1088S.
Identifiers: ClinVar variation 2093804 (VCV002093804.6), dbSNP rs2502268225, ClinGen allele CA389044534.

ClinVar aggregate classification (germline): Conflicting classifications of pathogenicity. Review status: criteria provided, conflicting classifications (1 of 4 stars). 3 submissions from 3 submitters: Uncertain significance (2); Likely benign (1). Last evaluated 2025-11-10.

Conditions:
Cardiomyopathy (CMYO). Also called: Cardiomyopathies. Identifiers: Orphanet 167848, MedGen C0878544, MONDO:0004994, HP:0001638. Inheritance: Various modes of inheritance.
Hypertrophic cardiomyopathy. Also called: HYPERTROPHIC MYOCARDIOPATHY. Identifiers: Orphanet 217569, MedGen C0007194, MeSH D002312, MONDO:0005045, HP:0001639.

Allele frequency attached by ClinVar (database versions not stated): gnomAD exomes below 0.00001.
gnomAD v4.1: 1 of 1,613,168 alleles (0.000062%); highest among the groups gnomAD compares: Non-Finnish European, 0.000085%; no homozygotes.

Submissions (3):

Labcorp Genetics (formerly Invitae), Labcorp
Classification: Uncertain significance for Hypertrophic cardiomyopathy. Last evaluated: 2025-11-10. Review status: criteria provided, single submitter. Criteria: Invitae Variant Classification Sherloc (09022015). Collection method: clinical testing. Allele origin: germline.
Comment: This sequence change replaces asparagine, which is neutral and polar, with serine, which is neutral and polar, at codon 1088 of the MYH7 protein (p.Asn1088Ser). This variant is not present in population databases (gnomAD no frequency). This variant has not been reported in the literature in individuals affected with MYH7-related conditions. ClinVar contains an entry for this variant (Variation ID: 2093804). Invitae Evidence Modeling of protein sequence and biophysical properties (such as structural, functional, and spatial information, amino acid conservation, physicochemical variation, residue mobility, and thermodynamic stability) indicates that this missense variant is not expected to disrupt MYH7 protein function with a negative predictive value of 95%. In summary, the available evidence is currently insufficient to determine the role of this variant in disease. Therefore, it has been classified as a Variant of Uncertain Significance.

Color Diagnostics, LLC DBA Color Health
Classification: Likely benign for Cardiomyopathy. Last evaluated: 2025-09-13. Review status: criteria provided, single submitter. Criteria: ACMG Guidelines, 2015. Collection method: clinical testing. Allele origin: germline.

Blueprint Genetics
Classification: Uncertain significance. Last evaluated: 2022-05-04. Review status: criteria provided, single submitter. Criteria: ACMG Guidelines, 2015. Collection method: clinical testing. Allele origin: germline.